The following is an entry in ClinVar:

ClinVar aggregate classification (germline): Pathogenic (1 of 4 stars; one submission).

Conditions:
Hereditary angioedema type 1 (HAE1). Identifiers: Orphanet 100050, Orphanet 100051, Orphanet 91378, MedGen C2717906, MONDO:0015053, OMIM 106100.

Submission:

Institute of Human Genetics, University of Leipzig Medical Center
Classification: Pathogenic for Hereditary angioedema type 1. Last evaluated: 2026-01-19. Review status: criteria provided, single submitter. Criteria: ACMG Guidelines, 2015. Collection method: clinical testing. Allele origin: unknown. Inheritance: Autosomal dominant inheritance. Affected: yes.
Comment: Criteria applied: PVS1,PS4_MOD,PM2

NM_000062.3(SERPING1):c.964del (p.Val322fs)

Gene: SERPING1 (serpin family G member 1; plus strand). Cytogenetic location: 11q12.1.
Variant type: Deletion.
Coding change: c.964del on transcript NM_000062.3 (MANE Select); coding-DNA position 964, one base deleted (G; older notation c.964delG).
Protein change: p.Val322fs; shifts the reading frame from valine 322.
Molecular consequence: frameshift variant.
Genome position (GRCh38, 1-based): chr11:57,606,482, G deleted. VCF-style (leftmost placement, unchanged base first): chr11-57606481-AG-A. GRCh37 (hg19) VCF-style: chr11-57373954-AG-A.
Other names: c.964del, p.Val322fs (NM_001032295.2); short protein forms V322fs.
Identifiers: ClinVar variation 4530581 (VCV004530581.2).